The following is an entry in ClinVar:

ClinVar aggregate classification (germline): Conflicting classifications of pathogenicity. Review status: criteria provided, conflicting classifications (1 of 4 stars). 3 submissions from 3 submitters: Pathogenic (1); Uncertain significance (2). Last evaluated 2025-03-18.

Conditions:
Cerebral arteriopathy, autosomal dominant, with subcortical infarcts and leukoencephalopathy, type 2 (CADASIL2). Identifiers: MedGen C4225211, MONDO:0014768, OMIM 616779.

Allele frequency attached by ClinVar (database versions not stated): ExAC 0.00001; gnomAD 0.00001; gnomAD exomes 0.00001; TOPMed 0.00004; 1000 Genomes Project 30x 0.00016; 1000 Genomes Project 0.00020.
gnomAD v4.1: 18 of 1,613,454 alleles (0.0011%); highest among the groups gnomAD compares: African/African-American, 0.004%; no homozygotes.

Submissions (3):

Women's Health and Genetics/Laboratory Corporation of America, LabCorp
Classification: Uncertain significance. Last evaluated: 2025-03-18. Review status: criteria provided, single submitter. Criteria: LabCorp Variant Classification Summary - May 2015. Collection method: clinical testing. Allele origin: germline.
Comment: Variant summary: HTRA1 c.767T>C (p.Ile256Thr) results in a non-conservative amino acid change in the encoded protein sequence. Five of five in-silico tools predict a damaging effect of the variant on protein function. The variant allele was found at a frequency of 1.2e-05 in 251404 control chromosomes. c.767T>C has been reported in the literature in individuals affected with Cerebral arteriopathy, autosomal dominant, with subcortical infarcts and leukoencephalopathy, type 2 (Lee_2018 and Xu_2023). These data indicate that the variant may be associated with disease. At least one publication reports that this variant affected HTRA1 activity (Lee_2018). ClinVar contains an entry for this variant (Variation ID: 523575). Based on the evidence outlined above, the variant was classified as VUS-possibly pathogenic.

Blueprint Genetics
Classification: Uncertain significance. Last evaluated: 2022-10-17. Review status: criteria provided, single submitter. Criteria: ACMG Guidelines, 2015. Collection method: clinical testing. Allele origin: germline.

Taipei Veterans General Hospital, Neurological Institute
Classification: Pathogenic for Cerebral arteriopathy, autosomal dominant, with subcortical infarcts and leukoencephalopathy, type 2. Last evaluated: 2018-04-13. Review status: criteria provided, single submitter. Criteria: ACMG Guidelines, 2015. Collection method: clinical testing. Allele origin: germline. Affected: yes.

Literature cited by the submitters: PubMed 37986915 (cited by Women's Health and Genetics/Laboratory Corporation of America, LabCorp); PubMed 29895533 (cited by Women's Health and Genetics/Laboratory Corporation of America, LabCorp); PubMed 37016629 (cited by Women's Health and Genetics/Laboratory Corporation of America, LabCorp).

NM_002775.5(HTRA1):c.767T>C (p.Ile256Thr)

Gene: HTRA1 (HtrA serine peptidase 1; plus strand). Cytogenetic location: 10q26.13.
Variant type: single nucleotide variant.
Coding change: c.767T>C on transcript NM_002775.5 (MANE Select); coding-DNA position 767, T replaced by C.
Protein change: p.Ile256Thr; replaces isoleucine 256 with threonine.
Molecular consequence: missense variant.
Genome position (GRCh38, 1-based): chr10:122,489,616, T>C. VCF-style: chr10-122489616-T-C. GRCh37 (hg19) VCF-style: chr10-124249132-T-C.
Other names: short protein forms I256T.
Identifiers: ClinVar variation 523575 (VCV000523575.3), dbSNP rs201305795, ClinGen allele CA5725906.